The following is an entry in ClinVar:

ClinVar aggregate classification (germline): Likely benign (0 of 4 stars; one submission).

Conditions:
EXOC6B-related disorder. Also called: EXOC6B-related condition.

Allele frequency attached by ClinVar (database versions not stated): gnomAD exomes 0.00004; gnomAD 0.00007.
gnomAD v4.1: 31 of 677,102 alleles (0.0046%); highest among the groups gnomAD compares: East Asian, 0.016%; no homozygotes.

Submission:

PreventionGenetics, part of Exact Sciences
Classification: Likely benign for EXOC6B-related condition. Last evaluated: 2019-04-01. Review status: no assertion criteria provided. Collection method: clinical testing. Allele origin: germline.
Comment: This variant is classified as likely benign based on ACMG/AMP sequence variant interpretation guidelines (Richards et al. 2015 PMID: 25741868, with internal and published modifications).

NM_015189.3(EXOC6B):c.1046+7A>G

Gene: EXOC6B (exocyst complex component 6B; minus strand). Cytogenetic location: 2p13.2.
Variant type: single nucleotide variant.
Coding change: c.1046+7A>G on transcript NM_015189.3 (MANE Select); 7 bases into the intron after coding-DNA position 1046, A replaced by G.
Molecular consequence: intron variant.
Genome position (GRCh38, 1-based): chr2:72,514,627, T>C on the plus strand (A>G on the coding strand, the complement: EXOC6B is on the minus strand). VCF-style: chr2-72514627-T-C. GRCh37 (hg19) VCF-style: chr2-72741756-T-C.
Other names: c.707+7A>G (NM_001321734.2); c.1046+7A>G (NM_001321733.2, NM_001321730.2, NM_001321729.2 and 1 more transcripts).
Identifiers: ClinVar variation 3057818 (VCV003057818.2), dbSNP rs941770307, ClinGen allele CA50085254.